The following is an entry in ClinVar:

NM_014491.4(FOXP2):c.*2965T>C

Gene: FOXP2 (forkhead box P2; plus strand). Cytogenetic location: 7q31.1.
Variant type: single nucleotide variant.
Coding change: c.*2965T>C on transcript NM_014491.4 (MANE Select); 2965 bases downstream of the stop codon, T replaced by C.
Molecular consequence: 3 prime UTR variant. On other transcripts: non-coding transcript variant (2).
Genome position (GRCh38, 1-based): chr7:114,692,891, T>C. VCF-style: chr7-114692891-T-C. GRCh37 (hg19) VCF-style: chr7-114332946-T-C.
Other names: c.*2965T>C (NM_001172766.3, NM_148898.4, NM_148900.4).
Identifiers: ClinVar variation 358659 (VCV000358659.5), dbSNP rs530179782, ClinGen allele CA4446488.
Genomic context (GRCh38, chr7:114,692,891, plus strand): 5'-TCTTTTTTGAGGTAAACTAATTTTTGATACTTTTCATTACTGTGTACTATGTTCATACTT[T>C]GAATTCTCTGACGTTAGAAGTCATGGTTGAGAATTGTAACAGCTGTTATTCGTTCTGTAT-3'

ClinVar aggregate classification (germline): Benign (1 of 4 stars; one submission).

Conditions:
Childhood apraxia of speech (SPCH1). Also called: DEVELOPMENTAL VERBAL DYSPRAXIA; Speech language disorder; FOXP2-Related Speech and Language Disorder; SPEECH AND LANGUAGE DISORDER WITH OROFACIAL DYSPRAXIA. Identifiers: Orphanet 209908, MedGen C0750927, MONDO:0011184, OMIM 602081.

Allele frequency attached by ClinVar (database versions not stated): gnomAD below 0.00001 and 0.00019; TOPMed 0.00002; 1000 Genomes Project 30x 0.00031; 1000 Genomes Project 0.00040; gnomAD exomes 0.00098 and 0.00111; ExAC 0.00339.
gnomAD v4.1: 353 of 454,138 alleles (0.078%); highest among the groups gnomAD compares: South Asian, 0.54%; 7 homozygotes.

Submission:

Illumina Laboratory Services, Illumina
Classification: Benign for Childhood apraxia of speech. Last evaluated: 2018-01-13. Review status: criteria provided, single submitter. Criteria: ICSL Variant Classification Criteria 13 December 2019. Collection method: clinical testing. Allele origin: germline.
Comment: This variant was observed in the ICSL laboratory as part of a predisposition screen in an ostensibly healthy population. It had not been previously curated by ICSL or reported in the Human Gene Mutation Database (HGMD: prior to June 1st, 2018), and was therefore a candidate for classification through an automated scoring system. Utilizing variant allele frequency, disease prevalence and penetrance estimates, and inheritance mode, an automated score was calculated to assess if this variant is too frequent to cause the disease. Based on the score and internal cut-off values, a variant classified as benign is not then subjected to further curation. The score for this variant resulted in a classification of benign for this disease.